The following is an entry in ClinVar:

NM_000194.3(HPRT1):c.289_290del (p.Val97fs)

Gene: HPRT1 (hypoxanthine phosphoribosyltransferase 1; plus strand). Cytogenetic location: Xq26.2.
Variant type: Deletion.
Coding change: c.289_290del on transcript NM_000194.3 (MANE Select); coding-DNA positions 289 to 290, 2 bases deleted (GT; older notation c.289_290delGT).
Protein change: p.Val97fs; shifts the reading frame from valine 97.
Molecular consequence: frameshift variant.
Genome position (GRCh38, 1-based): chrX:134,475,335-134,475,336, GT deleted; deleting any 2 consecutive bases within chrX:134,475,334-134,475,336 gives the same sequence; the c. name uses the placement nearest the transcript's 3' end. VCF-style (leftmost placement, unchanged base first): chrX-134475333-CTG-C. GRCh37 (hg19) VCF-style: chrX-133609363-CTG-C.
Other names: c.289_290delGT (NM_000194.3); short protein forms V97fs.
Identifiers: ClinVar variation 2138722 (VCV002138722.5), dbSNP rs2520785689, ClinGen allele CA2580101552.
Genomic context (GRCh38, chrX:134,475,333, plus strand): 5'-CTGACCTGCTGGATTACATCAAAGCACTGAATAGAAATAGTGATAGATCCATTCCTATGA[CTG>C]TAGATTTTATCAGACTGAAGAGCTATTGTGTGAGTATATTTAATATATGATTCTTTTTAG-3'

ClinVar aggregate classification (germline): Pathogenic. Review status: criteria provided, multiple submitters, no conflicts (2 of 4 stars). 2 submissions from 2 submitters: Pathogenic (2). Last evaluated 2022-09-22.

Conditions:
Partial hypoxanthine-guanine phosphoribosyltransferase deficiency. Also called: HPRT DEFICIENCY, PARTIAL; HYPOXANTHINE GUANINE PHOSPHORIBOSYLTRANSFERASE 1 DEFICIENCY, PARTIAL; GOUT, HPRT-RELATED; Kelley-Seegmiller Syndrome; HPRT1 DEFICIENCY, PARTIAL. Identifiers: Orphanet 79233, MedGen C0268117, MONDO:0010299, OMIM 300323.
Lesch-Nyhan syndrome (LNS). Also called: HPRT DEFICIENCY, COMPLETE; Lesch-Nyhan Disease (LND). Identifiers: Orphanet 510, MedGen C0023374, MONDO:0010298, OMIM 300322.

Submissions (2):

Labcorp Genetics (formerly Invitae), Labcorp
Classification: Pathogenic for Lesch-Nyhan syndrome; Partial hypoxanthine-guanine phosphoribosyltransferase deficiency. Last evaluated: 2022-09-22. Review status: criteria provided, single submitter. Criteria: Invitae Variant Classification Sherloc (09022015). Collection method: clinical testing. Allele origin: germline.
Comment: This variant is not present in population databases (gnomAD no frequency). This sequence change creates a premature translational stop signal (p.Val97Argfs*10) in the HPRT1 gene. It is expected to result in an absent or disrupted protein product. Loss-of-function variants in HPRT1 are known to be pathogenic (PMID: 15571220, 17027311, 22157001). This premature translational stop signal has been observed in individual(s) with HPRT-related conditions (PMID: 2928313, 9288634). For these reasons, this variant has been classified as Pathogenic. This variant is also known as 289delGT and 2bp deletion.

Kasturba Medical College, Manipal, Kasturba Medical College, Manipal, Manipal Academy of Higher Education, Manipal, India
Classification: Pathogenic for Lesch-Nyhan syndrome. Review status: criteria provided, single submitter. Criteria: ACMG Guidelines, 2015. Collection method: clinical testing. Allele origin: biparental. Affected: yes.

Literature cited by the submitters: PubMed 15571220 (cited by Labcorp Genetics (formerly Invitae), Labcorp); PubMed 17027311 (cited by Labcorp Genetics (formerly Invitae), Labcorp); PubMed 22157001 (cited by Labcorp Genetics (formerly Invitae), Labcorp); PubMed 2928313 (cited by Labcorp Genetics (formerly Invitae), Labcorp); PubMed 9288634 (cited by Labcorp Genetics (formerly Invitae), Labcorp).